The following is an entry in ClinVar:

NM_004456.5(EZH2):c.1237T>A (p.Ser413Thr)

Gene: EZH2 (enhancer of zeste 2 polycomb repressive complex 2 subunit; minus strand). Cytogenetic location: 7q36.1.
Variant type: single nucleotide variant.
Coding change: c.1237T>A on transcript NM_004456.5 (MANE Select); coding-DNA position 1237, T replaced by A.
Protein change: p.Ser413Thr; replaces serine 413 with threonine.
Molecular consequence: missense variant.
Genome position (GRCh38, 1-based): chr7:148,817,880, A>T on the plus strand (T>A on the coding strand, the complement: EZH2 is on the minus strand). VCF-style: chr7-148817880-A-T. GRCh37 (hg19) VCF-style: chr7-148514972-A-T.
Other names: c.1222T>A, p.Ser408Thr (NM_001203247.2); c.1195T>A, p.Ser399Thr (NM_001203248.2, NM_001203249.2); c.1105T>A, p.Ser369Thr (NM_152998.3); short protein forms S413T, S369T, S399T, S408T.
Identifiers: ClinVar variation 3666154 (VCV003666154.2).
Genomic context (GRCh38, chr7:148,817,880, plus strand): 5'-TCCTCACAACACGAACTTTCACAGAACAGTAAAACCCAGTTATTAGACGTGTCTTACCAG[A>T]GGAGCTCGAAGTTTCATCTTTCTTCTCTTCTTCTTCTTTATCATTGTTCTCTCCCCCCGT-3'
Protein context (NP_004447.2, residues 403-423): EEKKDETSSS[Ser413Thr]EANSRCQTPI

ClinVar aggregate classification (germline): Uncertain significance (1 of 4 stars; one submission).

Conditions:
Weaver syndrome (WVS). Also called: Weaver Smith syndrome; Overgrowth syndrome with accelerated skeletal maturation, unusual facies, and camptodactyly. Identifiers: Orphanet 3447, MedGen C0265210, MONDO:0010193, OMIM 277590.

Submission:

Labcorp Genetics (formerly Invitae), Labcorp
Classification: Uncertain significance for Weaver syndrome. Last evaluated: 2024-11-05. Review status: criteria provided, single submitter. Criteria: Invitae Variant Classification Sherloc (09022015). Collection method: clinical testing. Allele origin: germline.
Comment: This sequence change replaces serine, which is neutral and polar, with threonine, which is neutral and polar, at codon 413 of the EZH2 protein (p.Ser413Thr). This variant is not present in population databases (gnomAD no frequency). This variant has not been reported in the literature in individuals affected with EZH2-related conditions. Invitae Evidence Modeling of protein sequence and biophysical properties (such as structural, functional, and spatial information, amino acid conservation, physicochemical variation, residue mobility, and thermodynamic stability) indicates that this missense variant is not expected to disrupt EZH2 protein function with a negative predictive value of 80%. In summary, the available evidence is currently insufficient to determine the role of this variant in disease. Therefore, it has been classified as a Variant of Uncertain Significance.